The following is an entry in ClinVar:

NM_001034853.2(RPGR):c.2480_2520dup (p.Glu841fs)

Gene: RPGR (retinitis pigmentosa GTPase regulator; minus strand). Cytogenetic location: Xp11.4.
Variant type: Duplication.
Coding change: c.2480_2520dup on transcript NM_001034853.2 (MANE Select); coding-DNA positions 2480 to 2520, 41 bases duplicated.
Protein change: p.Glu841fs; shifts the reading frame from glutamic acid 841.
Molecular consequence: frameshift variant. On other transcripts: intron variant (8).
Genome position (GRCh38, 1-based): chrX:38,286,479-38,286,519, 41 bases duplicated; duplicating any 41 consecutive bases within chrX:38,286,479-38,286,523 gives the same sequence; the c. name uses the placement nearest the transcript's 3' end. GRCh37 (hg19): chrX:38,145,736-38,145,776.
Other names: c.1569+4440_1569+4480dup (NM_001367249.1, NM_001367250.1); c.1902+575_1902+615dup (NM_001367245.1); c.1386+4440_1386+4480dup (NM_001367251.1); c.1719+575_1719+615dup (NM_001367246.1); c.1572+4440_1572+4480dup (NM_001367247.1); c.1905+575_1905+615dup (NM_000328.3); c.1602+4440_1602+4480dup (NM_001367248.1); short protein forms E841fs.
Identifiers: ClinVar variation 1701595 (VCV001701595.31), dbSNP rs2147197209, ClinGen allele CA2580100907.

ClinVar aggregate classification (germline): Likely pathogenic. Review status: criteria provided, single submitter (1 of 4 stars). 2 submissions from 2 submitters: Likely pathogenic (1). 1 of the submissions does not count toward it. Last evaluated 2026-08-01.

Conditions:
Retinal dystrophy. Also called: Inherited retinal dystrophy. Identifiers: Orphanet 71862, MedGen C0854723, MeSH D058499, MONDO:0019118, HP:0000556.

Submissions (2):

CeGaT Center for Human Genetics Tuebingen
Classification: Likely pathogenic. Last evaluated: 2026-08-01. Review status: criteria provided, single submitter. Criteria: CeGaT Center For Human Genetics Tuebingen Variant Classification Criteria Version 2. Collection method: clinical testing. Allele origin: germline. Affected: yes. Observed: 2 variant alleles.
Comment: RPGR: PVS1:Strong, PM2

Institute of Human Genetics, Univ. Regensburg, Univ. Regensburg
Classification: Pathogenic for Retinal dystrophy. Last evaluated: 2014-01-01. Review status: no assertion criteria provided. Criteria: ACMG Guidelines, 2015. Collection method: clinical testing. Allele origin: germline. Affected: yes. Not counted in ClinVar's aggregate classification.